The following is an entry in ClinVar:

ClinVar aggregate classification (germline): Uncertain significance. Review status: criteria provided, multiple submitters, no conflicts (2 of 4 stars). 2 submissions from 2 submitters: Uncertain significance (2). Last evaluated 2025-12-01.

Allele frequency attached by ClinVar (database versions not stated): gnomAD exomes below 0.00001.
gnomAD v4.1: 2 of 1,175,798 alleles (0.00017%); highest among the groups gnomAD compares: South Asian, 0.004%; no homozygotes.

Submissions (2):

Labcorp Genetics (formerly Invitae), Labcorp
Classification: Uncertain significance. Last evaluated: 2025-12-01. Review status: criteria provided, single submitter. Criteria: Invitae Variant Classification Sherloc (09022015). Collection method: clinical testing. Allele origin: germline.
Comment: This sequence change replaces glutamine, which is neutral and polar, with glutamic acid, which is acidic and polar, at codon 594 of the GRIA3 protein (p.Gln594Glu). This variant is not present in population databases (gnomAD no frequency). This variant has not been reported in the literature in individuals affected with GRIA3-related conditions. ClinVar contains an entry for this variant (Variation ID: 871636). An algorithm developed to predict the effect of missense changes on protein structure and function (PolyPhen-2) suggests that this variant is likely to be disruptive. In summary, the available evidence is currently insufficient to determine the role of this variant in disease. Therefore, it has been classified as a Variant of Uncertain Significance.

CeGaT Center for Human Genetics Tuebingen
Classification: Uncertain significance. Last evaluated: 2019-08-01. Review status: criteria provided, single submitter. Criteria: CeGaT Center For Human Genetics Tuebingen Variant Classification Criteria Version 2. Collection method: clinical testing. Allele origin: germline. Affected: yes. Observed: 1 variant allele.

NM_007325.5(GRIA3):c.1780C>G (p.Gln594Glu)

Gene: GRIA3 (glutamate ionotropic receptor AMPA type subunit 3; plus strand). Cytogenetic location: Xq25.
Variant type: single nucleotide variant.
Coding change: c.1780C>G on transcript NM_007325.5 (MANE Select); coding-DNA position 1780, C replaced by G.
Protein change: p.Gln594Glu; replaces glutamine 594 with glutamic acid.
Molecular consequence: missense variant.
Genome position (GRCh38, 1-based): chrX:123,417,681, C>G. VCF-style: chrX-123417681-C-G. GRCh37 (hg19) VCF-style: chrX-122551532-C-G.
Other names: c.1780C>G, p.Gln594Glu (NM_000828.5); short protein forms Q594E.
Identifiers: ClinVar variation 871636 (VCV000871636.42), dbSNP rs2045543630, ClinGen allele CA414257740.